The following is an entry in ClinVar:

NM_006206.6(PDGFRA):c.2764A>G (p.Thr922Ala)

Gene: PDGFRA (platelet derived growth factor receptor alpha; plus strand). Cytogenetic location: 4q12.
Variant type: single nucleotide variant.
Coding change: c.2764A>G on transcript NM_006206.6 (MANE Select); coding-DNA position 2764, A replaced by G.
Protein change: p.Thr922Ala; replaces threonine 922 with alanine.
Molecular consequence: missense variant.
Genome position (GRCh38, 1-based): chr4:54,288,888, A>G. VCF-style: chr4-54288888-A-G. GRCh37 (hg19) VCF-style: chr4-55155055-A-G.
Other names: c.2839A>G, p.Thr947Ala (NM_001347828.2); c.2764A>G, p.Thr922Ala (NM_001347829.2); c.2803A>G, p.Thr935Ala (NM_001347830.2); short protein forms T922A, T947A, T935A.
Identifiers: ClinVar variation 2098781 (VCV002098781.4), dbSNP rs1560491769, ClinGen allele CA356895605.
Genomic context (GRCh38, chr4:54,288,888, plus strand): 5'-GATTCTACTTTCTACAATAAGATCAAGAGTGGGTACCGGATGGCCAAGCCTGACCACGCT[A>G]CCAGTGAAGTGTGAGCTCCTTCCCCATCCCGGGGGCCTGTGTTCACAGTCTGTGGGTCTA-3'
Protein context (NP_006197.1, residues 912-932): GYRMAKPDHA[Thr922Ala]SEVYEIMVKC

ClinVar aggregate classification (germline): Uncertain significance (1 of 4 stars; one submission).

Conditions:
Gastrointestinal stromal tumor. Also called: Gastrointestinal stroma tumor; Gastrointestinal stromal tumor, somatic. Identifiers: Orphanet 44890, MedGen C0238198, MeSH D046152, MONDO:0011719, OMIM 606764, HP:0100723.

Allele frequency attached by ClinVar (database versions not stated): TOPMed below 0.00001; gnomAD 0.00001; gnomAD exomes below 0.00001.
gnomAD v4.1: 2 of 1,605,302 alleles (0.00012%); highest among the groups gnomAD compares: Non-Finnish European, 0.00017%; no homozygotes.

Submission:

Labcorp Genetics (formerly Invitae), Labcorp
Classification: Uncertain significance for Gastrointestinal stromal tumor. Last evaluated: 2022-02-18. Review status: criteria provided, single submitter. Criteria: Invitae Variant Classification Sherloc (09022015). Collection method: clinical testing. Allele origin: germline.
Comment: This variant has not been reported in the literature in individuals affected with PDGFRA-related conditions. This variant is not present in population databases (gnomAD no frequency). This sequence change replaces threonine, which is neutral and polar, with alanine, which is neutral and non-polar, at codon 922 of the PDGFRA protein (p.Thr922Ala). Algorithms developed to predict the effect of missense changes on protein structure and function (SIFT, PolyPhen-2, Align-GVGD) all suggest that this variant is likely to be tolerated. In summary, the available evidence is currently insufficient to determine the role of this variant in disease. Therefore, it has been classified as a Variant of Uncertain Significance.